The following is an entry in ClinVar:

NM_138420.4(AHNAK2):c.10274C>T (p.Ala3425Val)

Gene: AHNAK2 (AHNAK nucleoprotein 2; minus strand). Cytogenetic location: 14q32.33.
Variant type: single nucleotide variant.
Coding change: c.10274C>T on transcript NM_138420.4 (MANE Select); coding-DNA position 10274, C replaced by T.
Protein change: p.Ala3425Val; replaces alanine 3425 with valine.
Molecular consequence: missense variant.
Genome position (GRCh38, 1-based): chr14:104,945,177, G>A on the plus strand (C>T on the coding strand, the complement: AHNAK2 is on the minus strand). VCF-style: chr14-104945177-G-A. GRCh37 (hg19) VCF-style: chr14-105411514-G-A.
Other names: c.9974C>T, p.Ala3325Val (NM_001350929.2); short protein forms A3325V, A3425V.
Identifiers: ClinVar variation 2644677 (VCV002644677.24), dbSNP rs185343487, ClinGen allele CA7379226.

ClinVar aggregate classification (germline): Likely benign (1 of 4 stars; one submission).

Allele frequency attached by ClinVar (database versions not stated): ESP Exome Variant Server 0.00116; 1000 Genomes Project 30x 0.00125; gnomAD 0.00125; TOPMed 0.00136; 1000 Genomes Project 0.00140; ExAC 0.00201.

Submission:

CeGaT Center for Human Genetics Tuebingen
Classification: Likely benign. Last evaluated: 2026-08-01. Review status: criteria provided, single submitter. Criteria: CeGaT Center For Human Genetics Tuebingen Variant Classification Criteria Version 2. Collection method: clinical testing. Allele origin: germline. Affected: yes. Observed: 8 variant alleles.
Comment: AHNAK2: BP4, BS2